The following is an entry in ClinVar:

ClinVar aggregate classification (germline): Uncertain significance (1 of 4 stars; one submission).

gnomAD v4.1: 6 of 1,613,604 alleles (0.00037%); highest among the groups gnomAD compares: Non-Finnish European, 0.00051%; no homozygotes.

Submission:

Women's Health and Genetics/Laboratory Corporation of America, LabCorp
Classification: Uncertain significance. Last evaluated: 2026-01-20. Review status: criteria provided, single submitter. Criteria: LabCorp Variant Classification Summary - May 2015. Collection method: clinical testing. Allele origin: germline.
Comment: Variant summary: SETX c.5428T>G (p.Leu1810Val) results in a conservative amino acid change in the encoded protein sequence. Algorithms developed to predict the effect of missense changes on protein structure and function are either unavailable or do not agree on the potential impact of this missense change. The variant allele was found at a frequency of 1.2e-05 in 251186 control chromosomes. The available data on variant occurrences in the general population are insufficient to allow any conclusion about variant significance. To our knowledge, no occurrence of c.5428T>G in individuals affected with SETX-related conditions and no experimental evidence demonstrating its impact on protein function have been reported. No submitters have cited clinical-significance assessments for this variant to ClinVar. Based on the evidence outlined above, the variant was classified as uncertain significance.

NM_015046.7(SETX):c.5428T>G (p.Leu1810Val)

Gene: SETX (senataxin; minus strand). Cytogenetic location: 9q34.13.
Variant type: single nucleotide variant.
Coding change: c.5428T>G on transcript NM_015046.7 (MANE Select); coding-DNA position 5428, T replaced by G.
Protein change: p.Leu1810Val; replaces leucine 1810 with valine.
Molecular consequence: missense variant.
Genome position (GRCh38, 1-based): chr9:132,300,750, A>C on the plus strand (T>G on the coding strand, the complement: SETX is on the minus strand). VCF-style: chr9-132300750-A-C. GRCh37 (hg19) VCF-style: chr9-135176137-A-C.
Other names: c.5428T>G, p.Leu1810Val (NM_001351527.2, NM_001351528.2); short protein forms L1810V.
Identifiers: ClinVar variation 4689191 (VCV004689191.1).